The following is an entry in ClinVar:

ClinVar aggregate classification (germline): Likely benign. Review status: criteria provided, multiple submitters, no conflicts (2 of 4 stars). 2 submissions from 2 submitters: Likely benign (2). Last evaluated 2025-07-09.

Conditions:
Intellectual developmental disorder 61. Also called: INTELLECTUAL DEVELOPMENTAL DISORDER, AUTOSOMAL DOMINANT 61; MENTAL RETARDATION, AUTOSOMAL DOMINANT 61. Identifiers: MedGen C5231400, MONDO:0032485, OMIM 618009.

Allele frequency attached by ClinVar (database versions not stated): gnomAD exomes 0.00001.
gnomAD v4.1: 5 of 1,613,796 alleles (0.00031%); highest among the groups gnomAD compares: Non-Finnish European, 0.00042%; no homozygotes.

Submissions (2):

Revvity Omics, Revvity
Classification: Likely benign for Intellectual developmental disorder 61. Last evaluated: 2025-07-09. Review status: criteria provided, single submitter. Criteria: ACMG Guidelines, 2015. Collection method: clinical testing. Allele origin: germline.

GeneDx
Classification: Likely benign. Last evaluated: 2022-08-04. Review status: criteria provided, single submitter. Criteria: GeneDx Variant Classification Process June 2021. Collection method: clinical testing. Allele origin: germline. Affected: yes.
Comment: See Variant Classification Assertion Criteria.

NM_005121.3(MED13):c.4160G>A (p.Ser1387Asn)

Gene: MED13 (mediator complex subunit 13; minus strand). Cytogenetic location: 17q23.2.
Variant type: single nucleotide variant.
Coding change: c.4160G>A on transcript NM_005121.3 (MANE Select); coding-DNA position 4160, G replaced by A.
Protein change: p.Ser1387Asn; replaces serine 1387 with asparagine.
Molecular consequence: missense variant.
Genome position (GRCh38, 1-based): chr17:61,968,066, C>T on the plus strand (G>A on the coding strand, the complement: MED13 is on the minus strand). VCF-style: chr17-61968066-C-T. GRCh37 (hg19) VCF-style: chr17-60045427-C-T.
Other names: short protein forms S1387N.
Identifiers: ClinVar variation 1308135 (VCV001308135.5), dbSNP rs2143386924, ClinGen allele CA400498387.